The following is an entry in ClinVar:

NM_003073.5(SMARCB1):c.791T>A (p.Ile264Asn)

Gene: SMARCB1 (SWI/SNF related BAF chromatin remodeling complex subunit B1; plus strand). Cytogenetic location: 22q11.23.
Variant type: single nucleotide variant.
Coding change: c.791T>A on transcript NM_003073.5 (MANE Select); coding-DNA position 791, T replaced by A.
Protein change: p.Ile264Asn; replaces isoleucine 264 with asparagine.
Molecular consequence: missense variant.
Genome position (GRCh38, 1-based): chr22:23,816,932, T>A. VCF-style: chr22-23816932-T-A. GRCh37 (hg19) VCF-style: chr22-24159119-T-A.
Other names: c.764T>A, p.Ile255Asn (NM_001007468.3); c.818T>A, p.Ile273Asn (NM_001317946.2); c.845T>A, p.Ile282Asn (NM_001362877.2); short protein forms I264N, I255N, I282N, I273N.
Identifiers: ClinVar variation 3958532 (VCV003958532.1).

ClinVar aggregate classification (germline): Uncertain significance (1 of 4 stars; one submission).

Conditions:
Hereditary cancer-predisposing syndrome. Also called: Tumor predisposition; Hereditary neoplastic syndrome; Hereditary Cancer Syndrome; Neoplastic Syndromes, Hereditary. Identifiers: Orphanet 140162, MedGen C0027672, MeSH D009386, MONDO:0015356.

Submission:

Ambry Genetics
Classification: Uncertain significance for Hereditary cancer-predisposing syndrome. Last evaluated: 2025-05-28. Review status: criteria provided, single submitter. Criteria: Ambry Variant Classification Scheme 2023. Collection method: clinical testing. Allele origin: germline.
Comment: The p.I264N variant (also known as c.791T>A), located in coding exon 6 of the SMARCB1 gene, results from a T to A substitution at nucleotide position 791. The isoleucine at codon 264 is replaced by asparagine, an amino acid with dissimilar properties. This amino acid position is conserved. In addition, this alteration is predicted to be deleterious by in silico analysis. Based on the available evidence, the clinical significance of this variant remains unclear.